The following is an entry in ClinVar:

NM_016929.5(CLIC5):c.173+10G>A

Gene: CLIC5 (CLIC family member 5; minus strand). Cytogenetic location: 6p21.1.
Variant type: single nucleotide variant.
Coding change: c.173+10G>A on transcript NM_016929.5 (MANE Select); 10 bases into the intron after coding-DNA position 173, G replaced by A.
Molecular consequence: intron variant.
Genome position (GRCh38, 1-based): chr6:45,955,125, C>T on the plus strand (G>A on the coding strand, the complement: CLIC5 is on the minus strand). VCF-style: chr6-45955125-C-T. GRCh37 (hg19) VCF-style: chr6-45922862-C-T.
Other names: c.56+10G>A (NM_001370649.1); c.650+10G>A (NM_001370650.1, NM_001114086.2); c.173+10G>A (NM_001256023.2).
Identifiers: ClinVar variation 513293 (VCV000513293.7), dbSNP rs139698077, ClinGen allele CA3836902.

ClinVar aggregate classification (germline): Likely benign. Review status: criteria provided, multiple submitters, no conflicts (2 of 4 stars). 3 submissions from 3 submitters: Likely benign (3). Last evaluated 2026-01-07.

Allele frequency attached by ClinVar (database versions not stated): ExAC 0.00052; gnomAD exomes 0.00060 and 0.00090; gnomAD 0.00068 and 0.00072; TOPMed 0.00076; 1000 Genomes Project 0.00100; ESP Exome Variant Server 0.00115; 1000 Genomes Project 30x 0.00141.
gnomAD v4.1: 1,407 of 1,592,476 alleles (0.088%); highest among the groups gnomAD compares: Non-Finnish European, 0.11%; 4 homozygotes.

Submissions (3):

Labcorp Genetics (formerly Invitae), Labcorp
Classification: Likely benign. Last evaluated: 2026-01-07. Review status: criteria provided, single submitter. Criteria: Invitae Variant Classification Sherloc (09022015). Collection method: clinical testing. Allele origin: germline.

Blueprint Genetics
Classification: Likely benign. Last evaluated: 2024-11-21. Review status: criteria provided, single submitter. Criteria: ACMG Guidelines, 2015. Collection method: clinical testing. Allele origin: germline.

GeneDx
Classification: Likely benign. Last evaluated: 2017-11-10. Review status: criteria provided, single submitter. Criteria: GeneDx Variant Classification (06012015). Collection method: clinical testing. Allele origin: germline. Affected: yes.
Comment: This variant is considered likely benign or benign based on one or more of the following criteria: it is a conservative change, it occurs at a poorly conserved position in the protein, it is predicted to be benign by multiple in silico algorithms, and/or has population frequency not consistent with disease.